The following is an entry in ClinVar:

NM_001165963.4(SCN1A):c.4552A>C (p.Lys1518Gln)

Genes: SCN1A (sodium voltage-gated channel alpha subunit 1; minus strand), LOC102724058 (uncharacterized LOC102724058; plus strand). Cytogenetic location: 2q24.3.
Variant type: single nucleotide variant.
Coding change: c.4552A>C on transcript NM_001165963.4 (MANE Select); coding-DNA position 4552, A replaced by C.
Protein change: p.Lys1518Gln; replaces lysine 1518 with glutamine.
Molecular consequence: missense variant. On other transcripts: non-coding transcript variant (1).
Genome position (GRCh38, 1-based): chr2:165,996,042, T>G on the plus strand (A>C on the coding strand, the complement: SCN1A is on the minus strand). VCF-style: chr2-165996042-T-G. GRCh37 (hg19) VCF-style: chr2-166852552-T-G.
Other names: c.4468A>C, p.Lys1490Gln (NM_001165964.3, NM_001353957.2, NM_001353958.2); c.4552A>C, p.Lys1518Gln (NM_001202435.3, NM_001353948.2); c.4519A>C, p.Lys1507Gln (NM_001353949.2, NM_001353950.2, NM_001353951.2 and 2 more transcripts); c.4516A>C, p.Lys1506Gln (NM_001353954.2, NM_001353955.2); c.4465A>C, p.Lys1489Gln (NM_001353960.2); c.2110A>C, p.Lys704Gln (NM_001353961.2); short protein forms K1518Q, K1506Q, K704Q, K1489Q, K1490Q, K1507Q.
Identifiers: ClinVar variation 958191 (VCV000958191.10), dbSNP rs1689995442, ClinGen allele CA349048597.
Genomic context (GRCh38, chr2:165,996,042, plus strand): 5'-TTTTTCCCCCATATCATTTGATACTTCTTACTCCTGGTCGAGGTATAGGCTTTTGCGGTT[T>G]TTTCGATCCTAATTTTTTCATTGCATTATAGTATTTCTTCTGTTCTTCTGTCATAAAGAT-3'
Protein context (NP_001159435.1, residues 1508-1528): YNAMKKLGSK[Lys1518Gln]PQKPIPRPGN

ClinVar aggregate classification (germline): Uncertain significance (1 of 4 stars; one submission).

Conditions:
Early-infantile DEE. Also called: Ohtahara syndrome; Early infantile epileptic encephalopathy; Early infantile epileptic encephalopathy with suppression bursts. Identifiers: Orphanet 1934, MedGen C0393706, MONDO:0800491.

Allele frequency attached by ClinVar (database versions not stated): gnomAD exomes below 0.00001.
gnomAD v4.1: 4 of 1,609,546 alleles (0.00025%); highest among the groups gnomAD compares: Non-Finnish European, 0.00034%; no homozygotes.

Submission:

Labcorp Genetics (formerly Invitae), Labcorp
Classification: Uncertain significance for Early-infantile DEE. Last evaluated: 2019-08-08. Review status: criteria provided, single submitter. Criteria: Invitae Variant Classification Sherloc (09022015). Collection method: clinical testing. Allele origin: germline.
Comment: This variant is not present in population databases (ExAC no frequency). This variant has not been reported in the literature in individuals with SCN1A-related conditions. Algorithms developed to predict the effect of missense changes on protein structure and function (SIFT, PolyPhen-2, Align-GVGD) all suggest that this variant is likely to be disruptive, but these predictions have not been confirmed by published functional studies and their clinical significance is uncertain. In summary, the available evidence is currently insufficient to determine the role of this variant in disease. Therefore, it has been classified as a Variant of Uncertain Significance. This sequence change replaces lysine with glutamine at codon 1518 of the SCN1A protein (p.Lys1518Gln). The lysine residue is highly conserved and there is a small physicochemical difference between lysine and glutamine.